The following is an entry in ClinVar:

GRCh38/hg38 15q25.1-26.1(chr15:80770371-92743172)x3

Genes: ABHD2 (abhydrolase domain containing 2, acylglycerol lipase; plus strand), ACAN (aggrecan; plus strand), ADAMTSL3 (ADAMTS like 3; plus strand), AEN (apoptosis enhancing nuclease; plus strand), AGBL1 (AGBL carboxypeptidase 1; plus strand) and 492 more. Cytogenetic location: 15q25.1-26.1.
Variant type: copy number gain.
Change: copy number 3 (three copies instead of two) of chr15:80,770,371-92,743,172 (11.97 Mb, GRCh38 coordinates, 1-based), cytogenetic band 15q25.1-26.1.
Identifiers: ClinVar variation 4852042 (VCV004852042.1).

ClinVar aggregate classification (germline): Likely pathogenic (1 of 4 stars; one submission).

Submission:

Clinical Genomics Laboratory, Laboratory for Precision Diagnostics, University of Washington
Classification: Likely pathogenic. Last evaluated: 2022-04-18. Review status: criteria provided, single submitter. Criteria: ACMG/ClinGen CNV Guidelines, 2019. Collection method: clinical testing. Allele origin: unknown. Affected: yes. Observed: 1 variant allele, 1 mosaic individual.
Comment: None of the genes within the duplicated region are confirmed to cause health problems in humans when present in an extra copy, and this duplication is not an established triplosensitive genomic region. There are reports of distal 15q duplications in the medical literature that include the duplicated region detected in this sample, but these reported cases involve much larger 15q duplications that are terminal, and many are due to unbalanced translocations with a concomitant terminal deletion of another chromosome. The most similar reported cases of distal 15q duplications include a fetus with overgrowth and mild rocker-bottom feet who was found to have a de novo terminal duplication of 15q25 to qter in 50% of amniotic fluid cells and 12% of lymphocytes (PMID: 15164417). There is another report of a non-mosaic de novo terminal duplication of 15q25.2 to qter in a child with severe language delay, motor developmental delay, autism, seizures, overgrowth, and a minor brain malformation (PMID:15666303). In these case reports and others with 15q terminal duplications, the finding of overgrowth is thought to be due to gain of the IGF1R gene in 15q26.3 that is not present in the duplicated region in this sample.

Literature cited by the submitters: PubMed 15666303; PubMed 15164417.